The following is an entry in ClinVar:

NM_000391.4(TPP1):c.535A>T (p.Thr179Ser)

Gene: TPP1 (tripeptidyl peptidase 1; minus strand). Cytogenetic location: 11p15.4.
Variant type: single nucleotide variant.
Coding change: c.535A>T on transcript NM_000391.4 (MANE Select); coding-DNA position 535, A replaced by T.
Protein change: p.Thr179Ser; replaces threonine 179 with serine.
Molecular consequence: missense variant.
Genome position (GRCh38, 1-based): chr11:6,617,127, T>A on the plus strand (A>T on the coding strand, the complement: TPP1 is on the minus strand). VCF-style: chr11-6617127-T-A. GRCh37 (hg19) VCF-style: chr11-6638358-T-A.
Other names: short protein forms T179S.
Identifiers: ClinVar variation 939167 (VCV000939167.11), dbSNP rs1488047336, ClinGen allele CA379475610.

ClinVar aggregate classification (germline): Uncertain significance. Review status: criteria provided, multiple submitters, no conflicts (2 of 4 stars). 4 submissions from 4 submitters: Uncertain significance (3). 1 of the submissions does not count toward it. Last evaluated 2026-03-27.

Conditions:
Neuronal ceroid lipofuscinosis 2. Also called: TPP1-Related Neuronal Ceroid-Lipofuscinosis; JANSKY-BIELSCHOWSKY DISEASE NEURONAL CEROID LIPOFUSCINOSIS, LATE INFANTILE. Identifiers: Orphanet 168491, Orphanet 228349, Orphanet 79264, MedGen C1876161, MONDO:0008769, OMIM 204500.
Inborn genetic diseases. Identifiers: MedGen C0950123, MeSH D030342.

Allele frequency attached by ClinVar (database versions not stated): gnomAD exomes below 0.00001.
gnomAD v4.1: 10 of 1,614,092 alleles (0.00062%); highest among the groups gnomAD compares: Non-Finnish European, 0.00085%; no homozygotes.

Submissions (4):

GeneDx
Classification: Uncertain significance. Last evaluated: 2026-03-27. Review status: criteria provided, single submitter. Criteria: GeneDx Variant Classification Process June 2021. Collection method: clinical testing. Allele origin: germline.
Comment: Not observed at significant frequency in large population cohorts (gnomAD); In silico analysis suggests that this missense variant does not alter protein structure/function; Has not been previously published as pathogenic or benign to our knowledge

Ambry Genetics
Classification: Uncertain significance for Inborn genetic diseases. Last evaluated: 2025-08-24. Review status: criteria provided, single submitter. Criteria: Ambry Variant Classification Scheme 2023. Collection method: clinical testing. Allele origin: germline.

Labcorp Genetics (formerly Invitae), Labcorp
Classification: Uncertain significance. Last evaluated: 2024-10-24. Review status: criteria provided, single submitter. Criteria: Invitae Variant Classification Sherloc (09022015). Collection method: clinical testing. Allele origin: germline.
Comment: This sequence change replaces threonine, which is neutral and polar, with serine, which is neutral and polar, at codon 179 of the TPP1 protein (p.Thr179Ser). This variant is present in population databases (no rsID available, gnomAD 0.0009%). This variant has not been reported in the literature in individuals affected with TPP1-related conditions. ClinVar contains an entry for this variant (Variation ID: 939167). Invitae Evidence Modeling of protein sequence and biophysical properties (such as structural, functional, and spatial information, amino acid conservation, physicochemical variation, residue mobility, and thermodynamic stability) indicates that this missense variant is not expected to disrupt TPP1 protein function with a negative predictive value of 95%. In summary, the available evidence is currently insufficient to determine the role of this variant in disease. Therefore, it has been classified as a Variant of Uncertain Significance.

Natera, Inc.
Classification: Uncertain significance for Neuronal ceroid lipofuscinosis 2. Last evaluated: 2020-06-24. Review status: no assertion criteria provided. Collection method: clinical testing. Allele origin: germline. Not counted in ClinVar's aggregate classification.